The following is an entry in ClinVar:

ClinVar aggregate classification (germline): Conflicting classifications of pathogenicity. Review status: criteria provided, conflicting classifications (1 of 4 stars). 3 submissions from 3 submitters: Pathogenic (2); Uncertain significance (1). Last evaluated 2026-06-03.

Conditions:
Colorectal cancer, hereditary nonpolyposis, type 7. Identifiers: Orphanet 144, MedGen C1858380, MONDO:0013725, OMIM 614385.

Submissions (3):

Ambry Genetics
Classification: Pathogenic. Last evaluated: 2026-06-03. Review status: criteria provided, single submitter. Criteria: Ambry Variant Classification Scheme 2023. Collection method: clinical testing. Allele origin: germline.
Comment: The c.1301dupA variant, located in coding exon 1 of the MLH3 gene, results from a duplication of A at nucleotide position 1301, causing a translational frameshift with a predicted alternate stop codon (p.N434Kfs*4). This variant is considered to be rare based on population cohorts in the Genome Aggregation Database (gnomAD). This alteration is expected to result in loss of function by premature protein truncation or nonsense-mediated mRNA decay. As such, this alteration is interpreted as a disease-causing mutation.

Myriad Genetics, Inc.
Classification: Pathogenic for Colorectal cancer, hereditary nonpolyposis, type 7. Last evaluated: 2025-12-11. Review status: criteria provided, single submitter. Criteria: Myriad Autosomal Dominant, Autosomal Recessive and X-Linked Classification Criteria (2023). Collection method: clinical testing. Allele origin: unknown.
Comment: This variant is considered pathogenic. This variant creates a frameshift predicted to result in premature protein truncation.

Labcorp Genetics (formerly Invitae), Labcorp
Classification: Uncertain significance for Colorectal cancer, hereditary nonpolyposis, type 7. Last evaluated: 2019-09-26. Review status: criteria provided, single submitter. Criteria: Invitae Variant Classification Sherloc (09022015). Collection method: clinical testing. Allele origin: germline.
Comment: This variant is not present in population databases (ExAC no frequency). This sequence change creates a premature translational stop signal (p.Asn434Lysfs*4) in the MLH3 gene. It is expected to result in an absent or disrupted protein product. In summary, the available evidence is currently insufficient to determine the role of this variant in disease. Therefore, it has been classified as a Variant of Uncertain Significance. The current clinical and genetic evidence is not sufficient to establish whether loss-of-function variants in MLH3 cause disease. This variant has not been reported in the literature in individuals with MLH3-related conditions.

NM_001040108.2(MLH3):c.1301dup (p.Asn434fs)

Gene: MLH3 (mutL homolog 3; minus strand). Cytogenetic location: 14q24.3.
Variant type: Duplication.
Coding change: c.1301dup on transcript NM_001040108.2 (MANE Select); coding-DNA position 1301, one base duplicated (A; older notation c.1301dupA).
Protein change: p.Asn434fs; shifts the reading frame from asparagine 434.
Molecular consequence: frameshift variant.
Genome position (GRCh38, 1-based): chr14:75,048,355, T duplicated on the plus strand (A on the coding strand, the reverse complement: MLH3 is on the minus strand); the first of 6 consecutive T bases (chr14:75,048,355-75,048,360); duplicating any one gives the same sequence. VCF-style (leftmost placement, unchanged base first): chr14-75048354-A-AT. GRCh37 (hg19) VCF-style: chr14-75515057-A-AT.
Other names: c.1301dup, p.Asn434fs (NM_014381.3); c.1301dupA (NM_001040108.1); short protein forms N434fs.
Identifiers: ClinVar variation 955875 (VCV000955875.11), dbSNP rs1212794587, ClinGen allele CA615194125.